The following is an entry in ClinVar:

ClinVar aggregate classification (germline): Pathogenic (1 of 4 stars; one submission).

Conditions:
Senior-Loken syndrome 7 (SLSN7). Identifiers: Orphanet 3156, MedGen C3150877, MONDO:0013326, OMIM 613615.
Bardet-Biedl syndrome 16 (BBS16). Identifiers: Orphanet 110, MedGen C3889474, MONDO:0014444, OMIM 615993.

Submission:

Labcorp Genetics (formerly Invitae), Labcorp
Classification: Pathogenic for Bardet-Biedl syndrome 16; Senior-Loken syndrome 7. Last evaluated: 2025-04-19. Review status: criteria provided, single submitter. Criteria: Invitae Variant Classification Sherloc (09022015). Collection method: clinical testing. Allele origin: germline.
Comment: This sequence change creates a premature translational stop signal (p.Met185Alafs*9) in the SDCCAG8 gene. It is expected to result in an absent or disrupted protein product. Loss-of-function variants in SDCCAG8 are known to be pathogenic (PMID: 20835237, 22190896). This variant is not present in population databases (gnomAD no frequency). This variant has not been reported in the literature in individuals affected with SDCCAG8-related conditions. ClinVar contains an entry for this variant (Variation ID: 2055381). For these reasons, this variant has been classified as Pathogenic.

Literature cited by the submitters: PubMed 20835237; PubMed 22190896.

NM_006642.5(SDCCAG8):c.553_554del (p.Met185fs)

Gene: SDCCAG8 (SHH signaling and ciliogenesis regulator SDCCAG8; plus strand). Cytogenetic location: 1q43.
Variant type: Deletion.
Coding change: c.553_554del on transcript NM_006642.5 (MANE Select); coding-DNA positions 553 to 554, 2 bases deleted (AT; older notation c.553_554delAT).
Protein change: p.Met185fs; shifts the reading frame from methionine 185.
Molecular consequence: frameshift variant. On other transcripts: 5 prime UTR variant (3).
Genome position (GRCh38, 1-based): chr1:243,293,097-243,293,098, AT deleted. VCF-style (leftmost placement, unchanged base first): chr1-243293096-CAT-C. GRCh37 (hg19) VCF-style: chr1-243456398-CAT-C.
Other names: c.-560_-559del (NM_001350246.2); c.-448_-447del (NM_001350247.2); c.553_554del, p.Met185fs (NM_001350248.2); c.259_260del, p.Met87fs (NM_001350249.2); c.-821_-820del (NM_001350251.2); short protein forms M185fs, M87fs.
Identifiers: ClinVar variation 2055381 (VCV002055381.4), dbSNP rs2547859493, ClinGen allele CA2580063554.